The following is an entry in ClinVar:

NM_000264.5(PTCH1):c.448G>C (p.Glu150Gln)

Gene: PTCH1 (patched 1; minus strand). Cytogenetic location: 9q22.32.
Variant type: single nucleotide variant.
Coding change: c.448G>C on transcript NM_000264.5 (MANE Select); coding-DNA position 448, G replaced by C.
Protein change: p.Glu150Gln; replaces glutamic acid 150 with glutamine.
Molecular consequence: missense variant. On other transcripts: 5 prime UTR variant (4), non-coding transcript variant (1).
Genome position (GRCh38, 1-based): chr9:95,485,821, C>G on the plus strand (G>C on the coding strand, the complement: PTCH1 is on the minus strand). VCF-style: chr9-95485821-C-G. GRCh37 (hg19) VCF-style: chr9-98248103-C-G.
Other names: c.250G>C, p.Glu84Gln (NM_001083602.3, NM_001354919.2); c.445G>C, p.Glu149Gln (NM_001083603.3); c.-6G>C (NM_001083604.3, NM_001083605.3, NM_001083606.3 and 1 more transcripts); c.448G>C, p.Glu150Gln (NM_001354918.2); short protein forms E150Q, E149Q, E84Q.
Identifiers: ClinVar variation 5027466 (VCV005027466.1).
Genomic context (GRCh38, chr9:95,485,821, plus strand): 5'-GGACATTAGCACCTTCTTCTTTAGGGGTCTGTATCATGAGTTGAGGATTAAACATAGCCT[C>G]TTCTCCAATCTTCTGGCGAGTATAATTTAATTCACGACTTACTCGTCCTCCAACTGACAA-3'
Protein context (NP_000255.2, residues 140-160): LNYTRQKIGE[Glu150Gln]AMFNPQLMIQ

ClinVar aggregate classification (germline): Uncertain significance (1 of 4 stars; one submission).

Conditions:
Hereditary cancer-predisposing syndrome. Also called: Neoplastic Syndromes, Hereditary; Tumor predisposition; Hereditary neoplastic syndrome; Hereditary Cancer Syndrome. Identifiers: Orphanet 140162, MedGen C0027672, MeSH D009386, MONDO:0015356.

Submission:

Ambry Genetics
Classification: Uncertain significance for Hereditary cancer-predisposing syndrome. Last evaluated: 2026-07-06. Review status: criteria provided, single submitter. Criteria: Ambry Variant Classification Scheme 2023. Collection method: clinical testing. Allele origin: germline.
Comment: The p.E84Q variant (also known as c.250G>C), located in coding exon 3 of the PTCH1 gene, results from a G to C substitution at nucleotide position 250. The glutamic acid at codon 84 is replaced by glutamine, an amino acid with highly similar properties. This amino acid position is conserved. In addition, this alteration is predicted to be deleterious by in silico analysis. Based on the available evidence, the clinical significance of this variant remains unclear.